The following is an entry in ClinVar:

ClinVar aggregate classification (germline): Benign/Likely benign. Review status: criteria provided, multiple submitters, no conflicts (2 of 4 stars). 11 submissions from 11 submitters: Benign (6); Likely benign (4). 1 of the submissions does not count toward it. Last evaluated 2026-04-01.

Conditions:
NSD1-related disorder. Also called: NSD1-related condition.
Sotos syndrome (SOTOS). Also called: CHROMOSOME 5q35 DELETION SYNDROME; CEREBRAL GIGANTISM; Sotos' syndrome; Distinctive facial appearance, overgrowth in childhood, and learning disabilities or delayed development; SOTOS SYNDROME 1. Identifiers: Orphanet 821, MedGen C0175695, MONDO:0019349, OMIM 117550.
Inborn genetic diseases. Identifiers: MedGen C0950123, MeSH D030342.

Allele frequency attached by ClinVar (database versions not stated): gnomAD exomes 0.00050; ExAC 0.00067; gnomAD 0.00190 and 0.00196; 1000 Genomes Project 0.00200; ESP Exome Variant Server 0.00223; TOPMed 0.00229; 1000 Genomes Project 30x 0.00281.
gnomAD v4.1: 557 of 1,614,172 alleles (0.035%); highest among the groups gnomAD compares: African/African-American, 0.64%; 2 homozygotes.

Submissions (11):

CeGaT Center for Human Genetics Tuebingen
Classification: Likely benign. Last evaluated: 2026-04-01. Review status: criteria provided, single submitter. Criteria: CeGaT Center For Human Genetics Tuebingen Variant Classification Criteria Version 2. Collection method: clinical testing. Allele origin: germline. Affected: yes. Observed: 1 variant allele.
Comment: NSD1: BP4, BP7, BS1

ARUP Laboratories, Molecular Genetics and Genomics, ARUP Laboratories
Classification: Benign for Sotos syndrome. Last evaluated: 2025-03-13. Review status: criteria provided, single submitter. Criteria: ARUP Molecular Germline Variant Investigation Process 2024. Collection method: clinical testing. Allele origin: germline.

Labcorp Genetics (formerly Invitae), Labcorp
Classification: Benign. Last evaluated: 2025-01-05. Review status: criteria provided, single submitter. Criteria: Invitae Variant Classification Sherloc (09022015). Collection method: clinical testing. Allele origin: germline.

Blueprint Genetics
Classification: Benign. Last evaluated: 2024-11-21. Review status: criteria provided, single submitter. Criteria: ACMG Guidelines, 2015. Collection method: clinical testing. Allele origin: germline.

Genome-Nilou Lab
Classification: Benign for Sotos syndrome. Last evaluated: 2021-07-15. Review status: criteria provided, single submitter. Criteria: ACMG Guidelines, 2015. Collection method: clinical testing. Allele origin: germline. Affected: no.

GeneDx
Classification: Benign. Last evaluated: 2019-06-25. Review status: criteria provided, single submitter. Criteria: GeneDx Variant Classification Process June 2021. Collection method: clinical testing. Allele origin: germline. Affected: yes.

Ambry Genetics
Classification: Likely benign for Inborn genetic diseases. Last evaluated: 2017-06-14. Review status: criteria provided, single submitter. Criteria: Ambry Variant Classification Scheme 2023. Collection method: clinical testing. Allele origin: germline.

Eurofins Ntd Llc (ga)
Classification: Likely benign. Last evaluated: 2016-09-20. Review status: criteria provided, single submitter. Criteria: EGL Classification Definitions 2015. Collection method: clinical testing. Allele origin: germline. Observed: 1 variant allele, 1 heterozygote.

Genetic Services Laboratory, University of Chicago
Classification: Benign. Last evaluated: 2013-02-08. Review status: criteria provided, single submitter. Criteria: ACMG Guidelines, 2007. Collection method: clinical testing. Allele origin: germline. Inheritance: Autosomal dominant inheritance.

Breakthrough Genomics
Classification: Likely benign. Review status: criteria provided, single submitter. Criteria: ACMG Guidelines, 2015. Collection method: not provided. Allele origin: germline. Inheritance: Autosomal dominant inheritance. Affected: yes.

PreventionGenetics, part of Exact Sciences
Classification: Benign for NSD1-related condition. Last evaluated: 2020-03-24. Review status: no assertion criteria provided. Collection method: clinical testing. Allele origin: germline. Not counted in ClinVar's aggregate classification.
Comment: This variant is classified as benign based on ACMG/AMP sequence variant interpretation guidelines (Richards et al. 2015 PMID: 25741868, with internal and published modifications).

NM_022455.5(NSD1):c.2295C>T (p.Asn765=)

Gene: NSD1 (nuclear receptor binding SET domain protein 1; plus strand). Cytogenetic location: 5q35.3.
Variant type: single nucleotide variant.
Coding change: c.2295C>T on transcript NM_022455.5 (MANE Select); coding-DNA position 2295, C replaced by T.
Protein change: p.Asn765=; no amino-acid change (asparagine 765 retained).
Molecular consequence: synonymous variant.
Genome position (GRCh38, 1-based): chr5:177,210,694, C>T. VCF-style: chr5-177210694-C-T. GRCh37 (hg19) VCF-style: chr5-176637695-C-T.
Other names: c.1422C>T, p.Asn474= (NM_001365684.2, NM_001409306.1, NM_001409307.1 and 3 more transcripts); c.2295C>T, p.Asn765= (NM_001409301.1, NM_001409302.1, NM_001409303.1); c.1875C>T, p.Asn625= (NM_001409304.1); c.1542C>T, p.Asn514= (NM_001409305.1).
Identifiers: ClinVar variation 159284 (VCV000159284.30), dbSNP rs146767413, ClinGen allele CA172786.